The following is an entry in ClinVar:

NM_007294.4(BRCA1):c.258A>T (p.Leu86=)

Gene: BRCA1 (BRCA1 DNA repair associated; minus strand). Cytogenetic location: 17q21.31.
Variant type: single nucleotide variant.
Coding change: c.258A>T on transcript NM_007294.4 (MANE Select); coding-DNA position 258, A replaced by T.
Protein change: p.Leu86=; no amino-acid change (leucine 86 retained).
Molecular consequence: synonymous variant. On other transcripts: 5 prime UTR variant (7), intron variant (2).
Genome position (GRCh38, 1-based): chr17:43,104,911, T>A on the plus strand (A>T on the coding strand, the complement: BRCA1 is on the minus strand). VCF-style: chr17-43104911-T-A. GRCh37 (hg19) VCF-style: chr17-41256928-T-A.
Other names: c.258A>T, p.Leu86= (NM_001407625.1, NM_001407626.1, NM_001407627.1 and 168 more transcripts); c.180A>T, p.Leu60= (NM_001407653.1, NM_001407654.1, NM_001407655.1 and 21 more transcripts); c.117A>T, p.Leu39= (NM_001407692.1, NM_001407694.1, NM_001407695.1 and 99 more transcripts); c.48A>T, p.Leu16= (NM_001407853.1, NM_001407879.1, NM_001407881.1 and 58 more transcripts); c.-124A>T (NM_001407959.1, NM_001407960.1, NM_001407962.1 and 4 more transcripts); c.126A>T, p.Leu42= (NM_001408451.1); c.-218-10051A>T (NM_001407967.1, NM_001407966.1).
Identifiers: ClinVar variation 427292 (VCV000427292.22), dbSNP rs777491912, ClinGen allele CA055496.

ClinVar aggregate classification (germline): Likely benign. Review status: reviewed by expert panel (3 of 4 stars). 4 submissions from 4 submitters: Likely benign (1). 3 of the submissions do not count toward it. Last evaluated 2017-06-29.

Conditions:
Hereditary breast ovarian cancer syndrome. Also called: Hereditary breast and ovarian cancer syndrome (HBOC); BRCA1- and BRCA2-Associated Hereditary Breast and Ovarian Cancer; Hereditary breast and/or ovarian cancer syndrome; Hereditary breast and ovarian cancer syndrome; Hereditary breast and ovarian cancer; Breast and ovarian cancer. Identifiers: Orphanet 145, MedGen C0677776, MeSH D061325, MONDO:0003582. Disease mechanism: loss of function.
Hereditary cancer-predisposing syndrome. Also called: Neoplastic Syndromes, Hereditary; Hereditary neoplastic syndrome; Tumor predisposition; Hereditary Cancer Syndrome. Identifiers: Orphanet 140162, MedGen C0027672, MeSH D009386, MONDO:0015356.
Breast-ovarian cancer, familial, susceptibility to, 1 (BROVCA1). Also called: BRCA1 Hereditary Breast and Ovarian Cancer; OVARIAN CANCER, SUSCEPTIBILITY TO. Identifiers: Orphanet 145, MedGen C2676676, MONDO:0011450, OMIM 604370. Disease mechanism: loss of function.

Allele frequency attached by ClinVar (database versions not stated): TOPMed 0.00001.
gnomAD v4.1: 10 of 1,613,996 alleles (0.00062%); highest among the groups gnomAD compares: Non-Finnish European, 0.00068%; no homozygotes.

Submissions (5):

Evidence-based Network for the Interpretation of Germline Mutant Alleles (ENIGMA)
Classification: Likely benign for Breast-ovarian cancer, familial, susceptibility to, 1. Last evaluated: 2017-06-29. Review status: reviewed by expert panel. Criteria: ENIGMA BRCA1/2 Classification Criteria (2017-06-29). Collection method: curation. Allele origin: germline.
Comment: Synonymous substitution variant, with low bioinformatic likelihood to result in a splicing aberration (Splicing prior probability 0.02).

Labcorp Genetics (formerly Invitae), Labcorp
Classification: Likely benign for Hereditary breast ovarian cancer syndrome. Last evaluated: 2025-07-21. Review status: criteria provided, single submitter. Criteria: Invitae Variant Classification Sherloc (09022015). Collection method: clinical testing. Allele origin: germline. Not counted in ClinVar's aggregate classification.

Color Diagnostics, LLC DBA Color Health
Classification: Likely benign for Hereditary cancer-predisposing syndrome. Last evaluated: 2023-07-06. Review status: criteria provided, single submitter. Criteria: ACMG Guidelines, 2015. Collection method: clinical testing. Allele origin: germline. Not counted in ClinVar's aggregate classification.

Ambry Genetics
Classification: Likely benign for Hereditary cancer-predisposing syndrome. Last evaluated: 2017-04-04. Review status: criteria provided, single submitter. Criteria: Ambry Variant Classification Scheme 2023. Collection method: clinical testing. Allele origin: germline. Not counted in ClinVar's aggregate classification.

Brotman Baty Institute, University of Washington
No classification provided (evidence only). Condition: Breast-ovarian cancer, familial 1. Review status: no classification provided. Collection method: in vitro. Allele origin: not applicable. Functional consequence: functionally_normal. Not counted in ClinVar's aggregate classification.
ClinVar note: "not provided" was previously submitted as the classification for the variant. However, the classification appeared to be based only on an observation of functional data so it was converted to no classification on 2025-07-30.